The following is an entry in ClinVar:

ClinVar aggregate classification (germline): Uncertain significance. Review status: criteria provided, multiple submitters, no conflicts (2 of 4 stars). 2 submissions from 2 submitters: Uncertain significance (2). Last evaluated 2026-05-28.

Conditions:
Inborn genetic diseases. Identifiers: MedGen C0950123, MeSH D030342.
SCAPER-related disorder. Also called: SCAPER-related condition.

Allele frequency attached by ClinVar (database versions not stated): gnomAD exomes 0.00001; ExAC 0.00003; TOPMed 0.00003; gnomAD 0.00004; ESP Exome Variant Server 0.00008.
gnomAD v4.1: 25 of 1,607,790 alleles (0.0016%); highest among the groups gnomAD compares: Middle Eastern, 0.017%; no homozygotes.

Submissions (2):

PreventionGenetics, part of Exact Sciences
Classification: Uncertain significance for SCAPER-related condition. Last evaluated: 2026-05-28. Review status: criteria provided, single submitter. Criteria: ACMG Guidelines, 2015. Collection method: clinical testing. Allele origin: germline.
Comment: The SCAPER c.2984A>G variant is predicted to result in the amino acid substitution p.Asn995Ser. To our knowledge, this variant has not been reported in the literature. This variant is reported in 0.012% of alleles in individuals of African descent in gnomAD. At this time, the clinical significance of this variant is uncertain due to the absence of conclusive functional and genetic evidence.

Ambry Genetics
Classification: Uncertain significance for Inborn genetic diseases. Last evaluated: 2023-12-11. Review status: criteria provided, single submitter. Criteria: Ambry Variant Classification Scheme 2023. Collection method: clinical testing. Allele origin: germline.

NM_020843.4(SCAPER):c.2966A>G (p.Asn989Ser)

Gene: SCAPER (S-phase cyclin A associated protein in the ER; minus strand). Cytogenetic location: 15q24.3.
Variant type: single nucleotide variant.
Coding change: c.2966A>G on transcript NM_020843.4 (MANE Select); coding-DNA position 2966, A replaced by G.
Protein change: p.Asn989Ser; replaces asparagine 989 with serine.
Molecular consequence: missense variant. On other transcripts: non-coding transcript variant (1).
Genome position (GRCh38, 1-based): chr15:76,471,324, T>C on the plus strand (A>G on the coding strand, the complement: SCAPER is on the minus strand). VCF-style: chr15-76471324-T-C. GRCh37 (hg19) VCF-style: chr15-76763665-T-C.
Other names: c.2228A>G, p.Asn743Ser (NM_001145923.2); c.2984A>G, p.Asn995Ser (NM_001353009.2); c.2564A>G, p.Asn855Ser (NM_001353010.2, NM_001353012.2); c.2582A>G, p.Asn861Ser (NM_001353011.2); c.2984A>G (NM_001353009.1); short protein forms N855S, N989S, N995S, N743S, N861S.
Identifiers: ClinVar variation 3158289 (VCV003158289.2), dbSNP rs375348526, ClinGen allele CA7674557.